The following is an entry in ClinVar:

GRCh38/hg38 7q11.1-11.21(chr7:61006478-62410831)x1

Gene: TRH-GTG2-1 (tRNA-His (GTG) 2-1). Cytogenetic location: 1q21.2.
Variant type: copy number loss.
Change: copy number 1 (one copy instead of two) of chr7:61,006,478-62,410,831 (1.40 Mb, GRCh38 coordinates, 1-based), cytogenetic band 7q11.1-11.21.
Identifiers: ClinVar variation 146841 (VCV000146841.2).

ClinVar aggregate classification (germline): Benign/Likely benign (0 of 4 stars; one submission).

Submission:

ISCA site 4
Classification: Benign/Likely benign. Last evaluated: 2012-09-21. Review status: no assertion criteria provided. Collection method: clinical testing. Allele origin: unknown. Affected: yes. Observed: 2 variant alleles.
Comment: Likely benign (1), Benign (1)

Copy number variation identified through the course of routine clinical cytogenomic testing in postnatal populations, with clinical assertions as classified by the original submitter.